The following is an entry in ClinVar:

ClinVar aggregate classification (germline): Likely benign (0 of 4 stars; one submission).

Conditions:
PLXNA4-related disorder. Also called: PLXNA4-related condition.

Allele frequency attached by ClinVar (database versions not stated): gnomAD 0.00023; TOPMed 0.00023; 1000 Genomes Project 30x 0.00031; ExAC 0.00039; 1000 Genomes Project 0.00040.
gnomAD v4.1: 336 of 1,614,144 alleles (0.021%); highest among the groups gnomAD compares: East Asian, 0.12%; no homozygotes.

Submission:

PreventionGenetics, part of Exact Sciences
Classification: Likely benign for PLXNA4-related condition. Last evaluated: 2021-09-22. Review status: no assertion criteria provided. Collection method: clinical testing. Allele origin: germline.
Comment: This variant is classified as likely benign based on ACMG/AMP sequence variant interpretation guidelines (Richards et al. 2015 PMID: 25741868, with internal and published modifications).

NM_020911.2(PLXNA4):c.5564C>T (p.Ser1855Phe)

Gene: PLXNA4 (plexin A4; minus strand). Cytogenetic location: 7q32.3.
Variant type: single nucleotide variant.
Coding change: c.5564C>T on transcript NM_020911.2 (MANE Select); coding-DNA position 5564, C replaced by T.
Protein change: p.Ser1855Phe; replaces serine 1855 with phenylalanine.
Molecular consequence: missense variant.
Genome position (GRCh38, 1-based): chr7:132,133,074, G>A on the plus strand (C>T on the coding strand, the complement: PLXNA4 is on the minus strand). VCF-style: chr7-132133074-G-A. GRCh37 (hg19) VCF-style: chr7-131817833-G-A.
Other names: c.5564C>T, p.Ser1855Phe (NM_001393897.1); short protein forms S1855F.
Identifiers: ClinVar variation 3048341 (VCV003048341.2), dbSNP rs200763664, ClinGen allele CA4488874.